The following is an entry in ClinVar:

NM_001105206.3(LAMA4):c.2951T>C (p.Val984Ala)

Gene: LAMA4 (laminin subunit alpha 4; minus strand). Cytogenetic location: 6q21.
Variant type: single nucleotide variant.
Coding change: c.2951T>C on transcript NM_001105206.3 (MANE Select); coding-DNA position 2951, T replaced by C.
Protein change: p.Val984Ala; replaces valine 984 with alanine.
Molecular consequence: missense variant.
Genome position (GRCh38, 1-based): chr6:112,140,785, A>G on the plus strand (T>C on the coding strand, the complement: LAMA4 is on the minus strand). VCF-style: chr6-112140785-A-G. GRCh37 (hg19) VCF-style: chr6-112461987-A-G.
Other names: c.2930T>C, p.Val977Ala (NM_001105207.3, NM_002290.5); short protein forms V984A, V977A.
Identifiers: ClinVar variation 2696092 (VCV002696092.3), dbSNP rs782769284, ClinGen allele CA3965356.
Genomic context (GRCh38, chr6:112,140,785, plus strand): 5'-TTTGTAATAGGTCAAAATATAGCTGTATGGCTGACCTTGAAGTTGGAAGGCACTCCACCA[A>G]CATAAAACACTGTGTCCTCAGGGTCCAGGTCCAGCAGAGAGTCATCTCCCGAAAATTCCC-3'
Protein context (NP_001098676.2, residues 974-994): DLDPEDTVFY[Val984Ala]GGVPSNFKLP

ClinVar aggregate classification (germline): Uncertain significance (1 of 4 stars; one submission).

Conditions:
Dilated cardiomyopathy 1JJ (CMD1JJ). Identifiers: Orphanet 154, MedGen C3808935, MONDO:0014095, OMIM 615235.

Allele frequency attached by ClinVar (database versions not stated): ExAC 0.00002; gnomAD 0.00002; gnomAD exomes 0.00002; TOPMed 0.00002.
gnomAD v4.1: 12 of 1,613,972 alleles (0.00074%); highest among the groups gnomAD compares: Admixed American, 0.02%; no homozygotes.

Submission:

Labcorp Genetics (formerly Invitae), Labcorp
Classification: Uncertain significance for Dilated cardiomyopathy 1JJ. Last evaluated: 2024-01-21. Review status: criteria provided, single submitter. Criteria: Invitae Variant Classification Sherloc (09022015). Collection method: clinical testing. Allele origin: germline.
Comment: This sequence change replaces valine, which is neutral and non-polar, with alanine, which is neutral and non-polar, at codon 977 of the LAMA4 protein (p.Val977Ala). This variant is present in population databases (rs782769284, gnomAD 0.03%). This variant has not been reported in the literature in individuals affected with LAMA4-related conditions. An algorithm developed to predict the effect of missense changes on protein structure and function (PolyPhen-2) suggests that this variant is likely to be disruptive. In summary, the available evidence is currently insufficient to determine the role of this variant in disease. Therefore, it has been classified as a Variant of Uncertain Significance.